The following is an entry in ClinVar:

NM_007194.4(CHEK2):c.320-2A>T

Gene: CHEK2 (checkpoint kinase 2; minus strand). Cytogenetic location: 22q12.1.
Variant type: single nucleotide variant.
Coding change: c.320-2A>T on transcript NM_007194.4 (MANE Select); the canonical splice acceptor site of the intron before coding-DNA position 320, A replaced by T.
Molecular consequence: splice acceptor variant.
Genome position (GRCh38, 1-based): chr22:28,725,369, T>A on the plus strand (A>T on the coding strand, the complement: CHEK2 is on the minus strand). VCF-style: chr22-28725369-T-A. GRCh37 (hg19) VCF-style: chr22-29121357-T-A.
Other names: c.-344-2A>T (NM_001437942.1); c.320-2A>T (NM_001349956.3, NM_145862.3, NM_007194.3); c.-458-2A>T (NM_001257387.3); c.413-2A>T (NM_001438295.1, NM_001438293.1); c.449-2A>T (NM_001438294.1, NM_001005735.3).
Identifiers: ClinVar variation 2583200 (VCV002583200.3), dbSNP rs1336652138, ClinGen allele CA411108309.

ClinVar aggregate classification (germline): Likely pathogenic. Review status: criteria provided, multiple submitters, no conflicts (2 of 4 stars). 2 submissions from 2 submitters: Likely pathogenic (2). Last evaluated 2026-02-03.

Conditions:
Familial cancer of breast. Also called: Hereditary breast cancer; hereditary breast carcinoma; BREAST CANCER, FAMILIAL. Identifiers: Orphanet 227535, MedGen C0346153, MONDO:0016419, OMIM 114480. Disease mechanism: loss of function.
Hereditary cancer-predisposing syndrome. Also called: Neoplastic Syndromes, Hereditary; Tumor predisposition; Hereditary Cancer Syndrome; Hereditary neoplastic syndrome. Identifiers: Orphanet 140162, MedGen C0027672, MeSH D009386, MONDO:0015356.

Submissions (2):

Ambry Genetics
Classification: Likely pathogenic for Hereditary cancer-predisposing syndrome. Last evaluated: 2026-02-03. Review status: criteria provided, single submitter. Criteria: Ambry Variant Classification Scheme 2023. Collection method: clinical testing. Allele origin: germline.
Comment: The c.320-2A>T intronic variant results from an A to T substitution two nucleotides upstream from coding exon 2 in the CHEK2 gene. This variant is considered to be rare based on population cohorts in the Genome Aggregation Database (gnomAD). This nucleotide position is highly conserved in available vertebrate species. In silico splice site analysis predicts that this alteration will weaken the native splice acceptor site; however, direct evidence is insufficient at this time (Ambry internal data). Variants that disrupt the canonical splice site are expected to cause aberrant splicing, resulting in an abnormal protein or a transcript that is subject to nonsense-mediated mRNA decay. As such, this variant is classified as likely pathogenic.

Myriad Genetics, Inc.
Classification: Likely pathogenic for Familial cancer of breast. Last evaluated: 2023-06-23. Review status: criteria provided, single submitter. Criteria: Myriad Autosomal Dominant, Autosomal Recessive and X-Linked Classification Criteria (2023). Collection method: clinical testing. Allele origin: unknown.
Comment: This variant is considered likely pathogenic. This variant occurs within a consensus splice junction and is predicted to result in abnormal mRNA splicing of either an out-of-frame exon or an in-frame exon necessary for protein stability and/or normal function.